The following is an entry in ClinVar:

ClinVar aggregate classification (germline): Conflicting classifications of pathogenicity. Review status: criteria provided, conflicting classifications (1 of 4 stars). 5 submissions from 5 submitters: Uncertain significance (3); Likely benign (2). Last evaluated 2025-10-07.

Conditions:
Hereditary cancer-predisposing syndrome. Also called: Neoplastic Syndromes, Hereditary; Tumor predisposition; Hereditary Cancer Syndrome; Hereditary neoplastic syndrome. Identifiers: Orphanet 140162, MedGen C0027672, MeSH D009386, MONDO:0015356.
Multiple endocrine neoplasia, type 2 (MEN2). Identifiers: Orphanet 653, MedGen C4048306, MONDO:0019003. Disease mechanism: gain of function.
Multiple endocrine neoplasia type 2A. Also called: MULTIPLE ENDOCRINE NEOPLASIA, TYPE IIA; PTC SYNDROME; SIPPLE SYNDROME; MEN 2A; MEN-2A syndrome; Pheochromocytoma and amyloid producing medullary thyroid carcinoma. Identifiers: Orphanet 247698, Orphanet 653, MedGen C0025268, MeSH D018813, MONDO:0008234, OMIM 171400.

Allele frequency attached by ClinVar (database versions not stated): gnomAD below 0.00001 and 0.00001; gnomAD exomes 0.00001 and 0.00002; ExAC 0.00002.

Submissions (5):

Labcorp Genetics (formerly Invitae), Labcorp
Classification: Uncertain significance for Multiple endocrine neoplasia, type 2. Last evaluated: 2025-10-07. Review status: criteria provided, single submitter. Criteria: Invitae Variant Classification Sherloc (09022015). Collection method: clinical testing. Allele origin: germline.
Comment: This sequence change replaces glycine, which is neutral and non-polar, with valine, which is neutral and non-polar, at codon 831 of the RET protein (p.Gly831Val). This variant is present in population databases (rs760924186, gnomAD 0.02%). This variant has not been reported in the literature in individuals affected with RET-related conditions. ClinVar contains an entry for this variant (Variation ID: 232122). An algorithm developed to predict the effect of missense changes on protein structure and function (PolyPhen-2) suggests that this variant is likely to be disruptive. In summary, the available evidence is currently insufficient to determine the role of this variant in disease. Therefore, it has been classified as a Variant of Uncertain Significance.

Quest Diagnostics Nichols Institute San Juan Capistrano
Classification: Uncertain significance. Last evaluated: 2025-04-24. Review status: criteria provided, single submitter. Criteria: Quest Diagnostics criteria. Collection method: clinical testing. Allele origin: unknown.

Myriad Genetics, Inc.
Classification: Likely benign for Multiple endocrine neoplasia type 2A. Last evaluated: 2024-08-13. Review status: criteria provided, single submitter. Criteria: Myriad Autosomal Dominant, Autosomal Recessive and X-Linked Classification Criteria (2023). Collection method: clinical testing. Allele origin: unknown.
Comment: This variant is considered likely benign. This variant has been observed at a population frequency that is significantly greater than expected given the associated disease prevalence and penetrance.

All of Us Research Program, National Institutes of Health
Classification: Uncertain significance for Multiple endocrine neoplasia, type 2. Last evaluated: 2023-08-15. Review status: criteria provided, single submitter. Criteria: ACMG Guidelines, 2015. Collection method: clinical testing. Allele origin: germline. Inheritance: Autosomal dominant inheritance. Observed: 1 variant allele, 1 heterozygote.
Comment: This missense variant replaces glycine with valine at codon 831 of the RET protein. Computational prediction is inconclusive regarding the impact of this variant on protein structure and function (internally defined REVEL score threshold 0.5 < inconclusive < 0.7, PMID: 27666373). To our knowledge, functional studies have not been reported for this variant. This variant has not been reported in individuals affected with RET-related disorders in the literature. This variant has been identified in 6/248430 chromosomes in the general population by the Genome Aggregation Database (gnomAD). The available evidence is insufficient to determine the role of this variant in disease conclusively. Therefore, this variant is classified as a Variant of Uncertain Significance.

This study involves interpretation of variants in research participants for the purpose of population health screening. Participant phenotype was not available at the time of variant classification. Additional details can be found in publication PMID: 35346344, PMCID: PMC8962531

Ambry Genetics
Classification: Likely benign for Hereditary cancer-predisposing syndrome. Last evaluated: 2022-07-08. Review status: criteria provided, single submitter. Criteria: Ambry Variant Classification Scheme 2023. Collection method: clinical testing. Allele origin: germline.

NM_020975.6(RET):c.2492G>T (p.Gly831Val)

Gene: RET (ret proto-oncogene; plus strand). Cytogenetic location: 10q11.21.
Variant type: single nucleotide variant.
Coding change: c.2492G>T on transcript NM_020975.6 (MANE Select); coding-DNA position 2492, G replaced by T.
Protein change: p.Gly831Val; replaces glycine 831 with valine.
Molecular consequence: missense variant.
Genome position (GRCh38, 1-based): chr10:43,119,630, G>T. VCF-style: chr10-43119630-G-T. GRCh37 (hg19) VCF-style: chr10-43615078-G-T.
Other names: c.2492G>T, p.Gly831Val (NM_000323.2, NM_001406743.1, NM_001406744.1 and 4 more transcripts); c.1730G>T, p.Gly577Val (NM_001355216.2); c.2363G>T, p.Gly788Val (NM_001406761.1, NM_001406762.1, NM_001406764.1); c.2357G>T, p.Gly786Val (NM_001406763.1, NM_001406765.1); c.2204G>T, p.Gly735Val (NM_001406766.1, NM_001406767.1, NM_001406770.1); c.2228G>T, p.Gly743Val (NM_001406768.1); c.2096G>T, p.Gly699Val (NM_001406769.1, NM_001406772.1); c.2054G>T, p.Gly685Val (NM_001406771.1, NM_001406773.1); and 10 more; short protein forms G831V, G577V, G396V, G487V, G589V, G656V, G786V, G501V.
Identifiers: ClinVar variation 232122 (VCV000232122.15), dbSNP rs760924186, ClinGen allele CA039442.